The following is an entry in ClinVar:

ClinVar aggregate classification (germline): Pathogenic (1 of 4 stars; one submission).

Submission:

Labcorp Genetics (formerly Invitae), Labcorp
Classification: Pathogenic. Last evaluated: 2023-08-18. Review status: criteria provided, single submitter. Criteria: Invitae Variant Classification Sherloc (09022015). Collection method: clinical testing. Allele origin: germline.
Comment: This sequence change creates a premature translational stop signal (p.Leu2167Trpfs*35) in the POLE gene. It is expected to result in an absent or disrupted protein product. Loss-of-function variants in POLE are known to be pathogenic (PMID: 23230001, 25948378, 30503519). For these reasons, this variant has been classified as Pathogenic. This variant has not been reported in the literature in individuals affected with POLE-related conditions. This variant is not present in population databases (gnomAD no frequency).

Literature cited by the submitters: PubMed 23230001; PubMed 25948378; PubMed 30503519.

NM_006231.4(POLE):c.6499del (p.Leu2167fs)

Gene: POLE (DNA polymerase epsilon, catalytic subunit; minus strand). Cytogenetic location: 12q24.33.
Variant type: Deletion.
Coding change: c.6499del on transcript NM_006231.4 (MANE Select); coding-DNA position 6499, one base deleted (C; older notation c.6499delC).
Protein change: p.Leu2167fs; shifts the reading frame from leucine 2167.
Molecular consequence: frameshift variant.
Genome position (GRCh38, 1-based): chr12:132,626,149, G deleted on the plus strand (C on the coding strand, the reverse complement: POLE is on the minus strand); the first of 2 consecutive G bases (chr12:132,626,149-132,626,150); deleting either gives the same sequence. VCF-style (leftmost placement, unchanged base first): chr12-132626148-AG-A. GRCh37 (hg19) VCF-style: chr12-133202734-AG-A.
Other names: short protein forms L2167fs.
Identifiers: ClinVar variation 2717858 (VCV002717858.3), dbSNP rs2541841120, ClinGen allele CA2697551583.
Genomic context (GRCh38, chr12:132,626,148, plus strand): 5'-GTGAAGGGCCCGCTGGAGCTCAGCCGCACCTCTGAGAAGGAAGAGTCTTTACACAGGTCC[AG>A]GTCGCGGCAGAAGTTACAGCTGCGGCAGATGACCTCAGGAAGCACGTAGGAGCGGCAGGG-3'